The following is an entry in ClinVar:

ClinVar aggregate classification (germline): Uncertain significance. Review status: criteria provided, multiple submitters, no conflicts (2 of 4 stars). 2 submissions from 2 submitters: Uncertain significance (2). Last evaluated 2023-10-20.

Conditions:
Cardiovascular phenotype. Identifiers: MedGen CN230736.

Allele frequency attached by ClinVar (database versions not stated): gnomAD exomes below 0.00001.
gnomAD v4.1: 1 of 1,614,150 alleles (0.000062%); highest among the groups gnomAD compares: African/African-American, 0.0013%; no homozygotes.

Submissions (2):

Blueprint Genetics
Classification: Uncertain significance. Last evaluated: 2023-10-20. Review status: criteria provided, single submitter. Criteria: ACMG Guidelines, 2015. Collection method: clinical testing. Allele origin: germline.

Ambry Genetics
Classification: Uncertain significance for Cardiovascular phenotype. Last evaluated: 2021-08-10. Review status: criteria provided, single submitter. Criteria: Ambry Variant Classification Scheme 2023. Collection method: clinical testing. Allele origin: germline.
Comment: The p.A766S variant (also known as c.2296G>T), located in coding exon 15 of the ABCA1 gene, results from a G to T substitution at nucleotide position 2296. The alanine at codon 766 is replaced by serine, an amino acid with similar properties. This amino acid position is conserved. In addition, the in silico prediction for this alteration is inconclusive. Since supporting evidence is limited at this time, the clinical significance of this alteration remains unclear.

NM_005502.4(ABCA1):c.2296G>T (p.Ala766Ser)

Gene: ABCA1 (ATP binding cassette subfamily A member 1; minus strand). Cytogenetic location: 9q31.1.
Variant type: single nucleotide variant.
Coding change: c.2296G>T on transcript NM_005502.4 (MANE Select); coding-DNA position 2296, G replaced by T.
Protein change: p.Ala766Ser; replaces alanine 766 with serine.
Molecular consequence: missense variant.
Genome position (GRCh38, 1-based): chr9:104,826,989, C>A on the plus strand (G>T on the coding strand, the complement: ABCA1 is on the minus strand). VCF-style: chr9-104826989-C-A. GRCh37 (hg19) VCF-style: chr9-107589270-C-A.
Other names: short protein forms A766S.
Identifiers: ClinVar variation 1789179 (VCV001789179.3), dbSNP rs1832865008, ClinGen allele CA374321615.